The following is an entry in ClinVar:

NM_004068.4(AP2M1):c.1031A>C (p.Tyr344Ser)

Gene: AP2M1 (adaptor related protein complex 2 subunit mu 1; plus strand). Cytogenetic location: 3q27.1.
Variant type: single nucleotide variant.
Coding change: c.1031A>C on transcript NM_004068.4 (MANE Select); coding-DNA position 1031, A replaced by C.
Protein change: p.Tyr344Ser; replaces tyrosine 344 with serine.
Molecular consequence: missense variant.
Genome position (GRCh38, 1-based): chr3:184,182,218, A>C. VCF-style: chr3-184182218-A-C. GRCh37 (hg19) VCF-style: chr3-183900006-A-C.
Other names: c.1025A>C, p.Tyr342Ser (NM_001025205.2); c.1106A>C, p.Tyr369Ser (NM_001311198.2); short protein forms Y344S, Y369S, Y342S.
Identifiers: ClinVar variation 1355395 (VCV001355395.8), dbSNP rs2109031918, ClinGen allele CA355429215.

ClinVar aggregate classification (germline): Uncertain significance (1 of 4 stars; one submission).

Submission:

Labcorp Genetics (formerly Invitae), Labcorp
Classification: Uncertain significance. Last evaluated: 2023-11-02. Review status: criteria provided, single submitter. Criteria: Invitae Variant Classification Sherloc (09022015). Collection method: clinical testing. Allele origin: germline.
Comment: This sequence change replaces tyrosine, which is neutral and polar, with serine, which is neutral and polar, at codon 344 of the AP2M1 protein (p.Tyr344Ser). This variant is not present in population databases (gnomAD no frequency). This missense change has been observed in individual(s) with clinical features of AP2M1-related conditions (Invitae). ClinVar contains an entry for this variant (Variation ID: 1355395). An algorithm developed to predict the effect of missense changes on protein structure and function (PolyPhen-2) suggests that this variant is likely to be disruptive. In summary, the available evidence is currently insufficient to determine the role of this variant in disease. Therefore, it has been classified as a Variant of Uncertain Significance.